The following is an entry in ClinVar:

NM_000264.5(PTCH1):c.1687G>C (p.Ala563Pro)

Gene: PTCH1 (patched 1; minus strand). Cytogenetic location: 9q22.32.
Variant type: single nucleotide variant.
Coding change: c.1687G>C on transcript NM_000264.5 (MANE Select); coding-DNA position 1687, G replaced by C.
Protein change: p.Ala563Pro; replaces alanine 563 with proline.
Molecular consequence: missense variant. On other transcripts: non-coding transcript variant (1).
Genome position (GRCh38, 1-based): chr9:95,476,075, C>G on the plus strand (G>C on the coding strand, the complement: PTCH1 is on the minus strand). VCF-style: chr9-95476075-C-G. GRCh37 (hg19) VCF-style: chr9-98238357-C-G.
Other names: c.1684G>C, p.Ala562Pro (NM_001083603.3); c.1234G>C, p.Ala412Pro (NM_001083604.3, NM_001083605.3, NM_001083606.3 and 1 more transcripts); c.1531G>C, p.Ala511Pro (NM_001354918.2); c.1489G>C, p.Ala497Pro (NM_001083602.3); short protein forms A412P, A497P, A511P, A562P, A563P.
Identifiers: ClinVar variation 3230948 (VCV003230948.2), dbSNP rs146616780, ClinGen allele CA374117952.

ClinVar aggregate classification (germline): Uncertain significance (1 of 4 stars; one submission).

Conditions:
Hereditary cancer-predisposing syndrome. Also called: Neoplastic Syndromes, Hereditary; Tumor predisposition; Hereditary Cancer Syndrome; Hereditary neoplastic syndrome. Identifiers: Orphanet 140162, MedGen C0027672, MeSH D009386, MONDO:0015356.

Submission:

Ambry Genetics
Classification: Uncertain significance for Hereditary cancer-predisposing syndrome. Last evaluated: 2026-08-14. Review status: criteria provided, single submitter. Criteria: Ambry Variant Classification Scheme 2023. Collection method: clinical testing. Allele origin: germline.
Comment: The p.A563P variant (also known as c.1687G>C), located in coding exon 12 of the PTCH1 gene, results from a G to C substitution at nucleotide position 1687. The alanine at codon 563 is replaced by proline, an amino acid with highly similar properties. This amino acid position is highly conserved in available vertebrate species. In addition, this alteration is predicted to be deleterious by in silico analysis. Based on the available evidence, the clinical significance of this variant remains unclear.